The following is an entry in ClinVar:

NM_013261.5(PPARGC1A):c.1428C>T (p.Asp476=)

Gene: PPARGC1A (PPARG coactivator 1 alpha; minus strand). Cytogenetic location: 4p15.2.
Variant type: single nucleotide variant.
Coding change: c.1428C>T on transcript NM_013261.5 (MANE Select); coding-DNA position 1428, C replaced by T.
Protein change: p.Asp476=; no amino-acid change (aspartic acid 476 retained).
Molecular consequence: synonymous variant. On other transcripts: non-coding transcript variant (7).
Genome position (GRCh38, 1-based): chr4:23,814,055, G>A on the plus strand (C>T on the coding strand, the complement: PPARGC1A is on the minus strand). VCF-style: chr4-23814055-G-A. GRCh37 (hg19) VCF-style: chr4-23815678-G-A.
Other names: c.1443C>T, p.Asp481= (NM_001330751.2, NM_001354825.2, NM_001354827.2); c.1392C>T, p.Asp464= (NM_001330752.2); c.1047C>T, p.Asp349= (NM_001330753.2, NM_001354826.2); c.1443C>T (NM_001330751.1).
Identifiers: ClinVar variation 718433 (VCV000718433.6), dbSNP rs61743310, ClinGen allele CA2875258.

ClinVar aggregate classification (germline): Benign. Review status: criteria provided, multiple submitters, no conflicts (2 of 4 stars). 3 submissions from 3 submitters: Benign (2). 1 of the submissions does not count toward it. Last evaluated 2018-07-31.

Conditions:
PPARGC1A-related disorder. Also called: PPARGC1A-related condition.

Allele frequency attached by ClinVar (database versions not stated): gnomAD exomes 0.00064 and 0.00169; ExAC 0.00189; gnomAD 0.00535 and 0.00559; TOPMed 0.00597; ESP Exome Variant Server 0.00677; 1000 Genomes Project 0.00799; 1000 Genomes Project 30x 0.00843.
gnomAD v4.1: 1,799 of 1,613,946 alleles (0.11%); highest among the groups gnomAD compares: African/African-American, 1.7%; 15 homozygotes.

Submissions (3):

Labcorp Genetics (formerly Invitae), Labcorp
Classification: Benign. Last evaluated: 2018-07-31. Review status: criteria provided, single submitter. Criteria: Invitae Variant Classification Sherloc (09022015). Collection method: clinical testing. Allele origin: germline.

Breakthrough Genomics
Classification: Benign. Review status: criteria provided, single submitter. Criteria: ACMG Guidelines, 2015. Collection method: not provided. Allele origin: germline. Inheritance: Unknown mechanism. Affected: yes.

PreventionGenetics, part of Exact Sciences
Classification: Benign for PPARGC1A-related condition. Last evaluated: 2019-03-14. Review status: no assertion criteria provided. Collection method: clinical testing. Allele origin: germline. Not counted in ClinVar's aggregate classification.
Comment: This variant is classified as benign based on ACMG/AMP sequence variant interpretation guidelines (Richards et al. 2015 PMID: 25741868, with internal and published modifications).